The following is an entry in ClinVar:

ClinVar aggregate classification (germline): Uncertain significance. Review status: criteria provided, multiple submitters, no conflicts (2 of 4 stars). 2 submissions from 2 submitters: Uncertain significance (2). Last evaluated 2025-09-29.

Allele frequency attached by ClinVar (database versions not stated): gnomAD 0.00006 and 0.00007; gnomAD exomes 0.00010; ExAC 0.00012; TOPMed 0.00019; 1000 Genomes Project 0.00060; 1000 Genomes Project 30x 0.00078.
gnomAD v4.1: 63 of 1,613,994 alleles (0.0039%); highest among the groups gnomAD compares: Admixed American, 0.04%; no homozygotes.

Submissions (2):

Labcorp Genetics (formerly Invitae), Labcorp
Classification: Uncertain significance. Last evaluated: 2025-09-29. Review status: criteria provided, single submitter. Criteria: Invitae Variant Classification Sherloc (09022015). Collection method: clinical testing. Allele origin: germline.
Comment: This sequence change replaces threonine, which is neutral and polar, with methionine, which is neutral and non-polar, at codon 893 of the EPHA4 protein (p.Thr893Met). This variant is present in population databases (rs142860268, gnomAD 0.06%), and has an allele count higher than expected for a pathogenic variant. This variant has not been reported in the literature in individuals affected with EPHA4-related conditions. ClinVar contains an entry for this variant (Variation ID: 1353541). Invitae Evidence Modeling of protein sequence and biophysical properties (such as structural, functional, and spatial information, amino acid conservation, physicochemical variation, residue mobility, and thermodynamic stability) indicates that this missense variant is not expected to disrupt EPHA4 protein function with a negative predictive value of 80%. In summary, the available evidence is currently insufficient to determine the role of this variant in disease. Therefore, it has been classified as a Variant of Uncertain Significance.

Ambry Genetics
Classification: Uncertain significance. Last evaluated: 2025-08-05. Review status: criteria provided, single submitter. Criteria: Ambry Variant Classification Scheme 2023. Collection method: clinical testing. Allele origin: germline.

NM_004438.5(EPHA4):c.2678C>T (p.Thr893Met)

Gene: EPHA4 (EPH receptor A4; minus strand). Cytogenetic location: 2q36.1.
Variant type: single nucleotide variant.
Coding change: c.2678C>T on transcript NM_004438.5 (MANE Select); coding-DNA position 2678, C replaced by T.
Protein change: p.Thr893Met; replaces threonine 893 with methionine.
Molecular consequence: missense variant.
Genome position (GRCh38, 1-based): chr2:221,429,970, G>A on the plus strand (C>T on the coding strand, the complement: EPHA4 is on the minus strand). VCF-style: chr2-221429970-G-A. GRCh37 (hg19) VCF-style: chr2-222294690-G-A.
Other names: c.2678C>T, p.Thr893Met (NM_001304536.2, NM_001363748.2); c.2525C>T, p.Thr842Met (NM_001304537.2); c.2678C>T (NM_004438.3); short protein forms T893M, T842M.
Identifiers: ClinVar variation 1353541 (VCV001353541.9), dbSNP rs142860268, ClinGen allele CA2134720.
Genomic context (GRCh38, chr2:221,429,970, plus strand): 5'-CCTCTAATGTGTTCTTTCATACATCACTATTAAGTAAGCATGGCTGACCTGGAGCTCTCC[G>A]TCCCTGTCCTCTTCAAGCTGTTGGGGTTGCGGATGAGTTTGTCCAACATGTTGACAATCT-3'
Protein context (NP_004429.1, residues 883-903): RNPNSLKRTG[Thr893Met]ESSRPNTALL